The following is an entry in ClinVar:

ClinVar aggregate classification (germline): Likely pathogenic. Review status: criteria provided, multiple submitters, no conflicts (2 of 4 stars). 2 submissions from 2 submitters: Likely pathogenic (2). Last evaluated 2022-10-22.

Conditions:
Cohen syndrome (COH1). Also called: PEPPER SYNDROME; Cutis verticis gyrata, retinitis pigmentosa, and sensorineural deafness. Identifiers: Orphanet 193, MedGen C0265223, MONDO:0008999, OMIM 216550.
VPS13B-related disorder. Also called: VPS13B-related condition.

Submissions (2):

Women's Health and Genetics/Laboratory Corporation of America, LabCorp
Classification: Likely pathogenic for Cohen syndrome. Last evaluated: 2022-10-22. Review status: criteria provided, single submitter. Criteria: LabCorp Variant Classification Summary - May 2015. Collection method: clinical testing. Allele origin: germline.
Comment: Variant summary: VPS13B c.4379dupA (p.Asn1460LysfsX11) results in a premature termination codon, predicted to cause a truncation of the encoded protein or absence of the protein due to nonsense mediated decay, which are commonly known mechanisms for disease. Truncations downstream of this position have been classified as pathogenic within ClinVar (e.g. c.4411C>T [p.Arg1471Ter], c.4846C>T [p.Arg1616Ter]). The variant was absent in 250972 control chromosomes (gnomAD). To our knowledge, no occurrence of c.4379dupA in individuals affected with Cohen Syndrome and no experimental evidence demonstrating its impact on protein function have been reported. No clinical diagnostic laboratories have submitted clinical-significance assessments for this variant to ClinVar after 2014. Based on the evidence outlined above, the variant was classified as likely pathogenic.

Blueprint Genetics
Classification: Likely pathogenic for VPS13B-related disorders. Last evaluated: 2020-02-25. Review status: criteria provided, single submitter. Criteria: ACMG Guidelines, 2015. Collection method: clinical testing. Allele origin: germline. Affected: yes. Observed: 1 variant allele.

NM_152564.5(VPS13B):c.4304dup (p.Asn1435fs)

Gene: VPS13B (vacuolar protein sorting 13 homolog B; plus strand). Cytogenetic location: 8q22.2.
Variant type: Duplication.
Coding change: c.4304dup on transcript NM_152564.5 (MANE Select); coding-DNA position 4304, one base duplicated (A; older notation c.4304dupA).
Protein change: p.Asn1435fs; shifts the reading frame from asparagine 1435.
Molecular consequence: frameshift variant.
Genome position (GRCh38, 1-based): chr8:99,511,183, A duplicated; the last of 6 consecutive A bases (chr8:99,511,178-99,511,183); duplicating any one gives the same sequence. VCF-style (leftmost placement, unchanged base first): chr8-99511177-C-CA. GRCh37 (hg19) VCF-style: chr8-100523405-C-CA.
Other names: c.4379dupA (NM_017890.4); c.4379dup, p.Asn1460fs (NM_017890.5); short protein forms N1435fs, N1460fs.
Identifiers: ClinVar variation 1723372 (VCV001723372.2), dbSNP rs1297058561, ClinGen allele CA1805735705.
Genomic context (GRCh38, chr8:99,511,177, plus strand): 5'-TTCTAGATGGCACTCATCAGCAGCATGGATTCCTCTCTCTGACATACACAAAAGCTGTAA[C>CA]AAAAAATGTCCGCCACAAGTTAACATCAAGAAATGAGCGAAGAAGTTTTCATAAGTTATC-3'